The following is an entry in ClinVar:

NM_001378120.1(MBD5):c.1058C>G (p.Ser353Cys)

Gene: MBD5 (methyl-CpG binding domain protein 5; plus strand). Cytogenetic location: 2q23.1.
Variant type: single nucleotide variant.
Coding change: c.1058C>G on transcript NM_001378120.1 (MANE Select); coding-DNA position 1058, C replaced by G.
Protein change: p.Ser353Cys; replaces serine 353 with cysteine.
Molecular consequence: missense variant.
Genome position (GRCh38, 1-based): chr2:148,469,001, C>G. VCF-style: chr2-148469001-C-G. GRCh37 (hg19) VCF-style: chr2-149226570-C-G.
Other names: c.1058C>G, p.Ser353Cys (NM_018328.5); short protein forms S353C.
Identifiers: ClinVar variation 801758 (VCV000801758.6), dbSNP rs1448983984, ClinGen allele CA348718283.
Genomic context (GRCh38, chr2:148,469,001, plus strand): 5'-CCCAAGGCCCACCTCCCCCTCCTCCACCTTCTTGTGCTCTTCAGAAAAAGCCATTAACAT[C>G]TGAGAAAGATCCACTTGGCATTCTTGACCCTATTCCTAGTAAACCAGTGAATCAGAACCC-3'
Protein context (NP_001365049.1, residues 343-363): SCALQKKPLT[Ser353Cys]EKDPLGILDP

ClinVar aggregate classification (germline): Uncertain significance. Review status: criteria provided, multiple submitters, no conflicts (2 of 4 stars). 2 submissions from 2 submitters: Uncertain significance (2). Last evaluated 2022-06-24.

Conditions:
Intellectual developmental disorder, autosomal dominant 1. Also called: Intellectual disability, autosomal dominant 1; MBD5 Haploinsufficiency. Identifiers: Orphanet 228402, MedGen C1969562, MONDO:0007974, OMIM 156200.

Allele frequency attached by ClinVar (database versions not stated): gnomAD exomes below 0.00001.
gnomAD v4.1: 1 of 1,613,640 alleles (0.000062%); highest among the groups gnomAD compares: Admixed American, 0.0017%; no homozygotes.

Submissions (2):

Labcorp Genetics (formerly Invitae), Labcorp
Classification: Uncertain significance for Intellectual developmental disorder, autosomal dominant 1. Last evaluated: 2022-06-24. Review status: criteria provided, single submitter. Criteria: Invitae Variant Classification Sherloc (09022015). Collection method: clinical testing. Allele origin: germline.
Comment: This sequence change replaces serine, which is neutral and polar, with cysteine, which is neutral and slightly polar, at codon 353 of the MBD5 protein (p.Ser353Cys). This variant is not present in population databases (gnomAD no frequency). This variant has not been reported in the literature in individuals affected with MBD5-related conditions. ClinVar contains an entry for this variant (Variation ID: 801758). Algorithms developed to predict the effect of missense changes on protein structure and function (SIFT, PolyPhen-2, Align-GVGD) all suggest that this variant is likely to be disruptive. Algorithms developed to predict the effect of sequence changes on RNA splicing suggest that this variant may create or strengthen a splice site. In summary, the available evidence is currently insufficient to determine the role of this variant in disease. Therefore, it has been classified as a Variant of Uncertain Significance.

Mendelics
Classification: Uncertain significance for Intellectual developmental disorder, autosomal dominant 1. Last evaluated: 2019-05-28. Review status: criteria provided, single submitter. Criteria: Mendelics Assertion Criteria 2017. Collection method: clinical testing. Allele origin: unknown.